The following is an entry in ClinVar:

ClinVar aggregate classification (germline): Uncertain significance (1 of 4 stars; one submission).

Conditions:
Familial thoracic aortic aneurysm and aortic dissection (TAAD). Also called: Thoracic aortic aneurysms and dissections. Identifiers: Orphanet 91387, MedGen C4707243, MONDO:0019625.

Submission:

Ambry Genetics
Classification: Uncertain significance for Familial thoracic aortic aneurysm and aortic dissection. Last evaluated: 2026-03-23. Review status: criteria provided, single submitter. Criteria: Ambry Variant Classification Scheme 2023. Collection method: clinical testing. Allele origin: germline.
Comment: The p.H1061P variant (also known as c.3182A>C), located in coding exon 20 of the NOTCH1 gene, results from an A to C substitution at nucleotide position 3182. The histidine at codon 1061 is replaced by proline, an amino acid with similar properties. This amino acid position is conserved. In addition, this alteration is predicted to be tolerated by in silico analysis. Based on the available evidence, the clinical significance of this variant remains unclear.

NM_017617.5(NOTCH1):c.3182A>C (p.His1061Pro)

Gene: NOTCH1 (notch receptor 1; minus strand). Cytogenetic location: 9q34.3.
Variant type: single nucleotide variant.
Coding change: c.3182A>C on transcript NM_017617.5 (MANE Select); coding-DNA position 3182, A replaced by C.
Protein change: p.His1061Pro; replaces histidine 1061 with proline.
Molecular consequence: missense variant.
Genome position (GRCh38, 1-based): chr9:136,508,375, T>G on the plus strand (A>C on the coding strand, the complement: NOTCH1 is on the minus strand). VCF-style: chr9-136508375-T-G. GRCh37 (hg19) VCF-style: chr9-139402827-T-G.
Other names: short protein forms H1061P.
Identifiers: ClinVar variation 4861109 (VCV004861109.1).
Genomic context (GRCh38, chr9:136,508,375, plus strand): 5'-TACTGGGTGTGGGTCTGCCAGCATTTGCCGCCGTTCTTGCAGGGCGAGGAGTCACACCAG[T>G]GCACAAGGTTCTGGGGACAGATTGGGGTCAGCTGGGTGCCCGCGCCCCGGCCATTTCCCC-3'
Protein context (NP_060087.3, residues 1051-1071): YTGPNCQNLV[His1061Pro]WCDSSPCKNG